The following is an entry in ClinVar:

ClinVar aggregate classification (germline): Uncertain significance. Review status: criteria provided, multiple submitters, no conflicts (2 of 4 stars). 2 submissions from 2 submitters: Uncertain significance (2). Last evaluated 2024-05-14.

Conditions:
Autosomal dominant childhood-onset proximal spinal muscular atrophy with contractures (SMALED2A). Also called: SPINAL MUSCULAR ATROPHY, LOWER EXTREMITY-PREDOMINANT, 2A, CHILDHOOD ONSET, AUTOSOMAL DOMINANT; Spinal muscular atrophy, lower extremity-predominant, 2A, autosomal dominant. Identifiers: Orphanet 363447, Orphanet 363454, MedGen C4747715, MONDO:0014121, OMIM 615290.

Allele frequency attached by ClinVar (database versions not stated): TOPMed 0.00001.
gnomAD v4.1: 2 of 1,613,986 alleles (0.00012%); highest among the groups gnomAD compares: Non-Finnish European, 0.00017%; no homozygotes.

Submissions (2):

Labcorp Genetics (formerly Invitae), Labcorp
Classification: Uncertain significance for Autosomal dominant childhood-onset proximal spinal muscular atrophy with contractures. Last evaluated: 2024-05-14. Review status: criteria provided, single submitter. Criteria: Invitae Variant Classification Sherloc (09022015). Collection method: clinical testing. Allele origin: germline.
Comment: This sequence change replaces leucine, which is neutral and non-polar, with phenylalanine, which is neutral and non-polar, at codon 390 of the BICD2 protein (p.Leu390Phe). This variant is not present in population databases (gnomAD no frequency). This variant has not been reported in the literature in individuals affected with BICD2-related conditions. ClinVar contains an entry for this variant (Variation ID: 642020). Advanced modeling of protein sequence and biophysical properties (such as structural, functional, and spatial information, amino acid conservation, physicochemical variation, residue mobility, and thermodynamic stability) performed at Invitae indicates that this missense variant is not expected to disrupt BICD2 protein function with a negative predictive value of 80%. In summary, the available evidence is currently insufficient to determine the role of this variant in disease. Therefore, it has been classified as a Variant of Uncertain Significance.

Revvity Omics, Revvity
Classification: Uncertain significance. Last evaluated: 2021-05-28. Review status: criteria provided, single submitter. Criteria: ACMG Guidelines, 2015. Collection method: clinical testing. Allele origin: germline.

NM_001003800.2(BICD2):c.1168C>T (p.Leu390Phe)

Gene: BICD2 (BICD cargo adaptor 2; minus strand). Cytogenetic location: 9q22.31.
Variant type: single nucleotide variant.
Coding change: c.1168C>T on transcript NM_001003800.2 (MANE Select); coding-DNA position 1168, C replaced by T.
Protein change: p.Leu390Phe; replaces leucine 390 with phenylalanine.
Molecular consequence: missense variant.
Genome position (GRCh38, 1-based): chr9:92,719,477, G>A on the plus strand (C>T on the coding strand, the complement: BICD2 is on the minus strand). VCF-style: chr9-92719477-G-A. GRCh37 (hg19) VCF-style: chr9-95481759-G-A.
Other names: c.1168C>T, p.Leu390Phe (NM_015250.4); short protein forms L390F.
Identifiers: ClinVar variation 642020 (VCV000642020.11), dbSNP rs192669216, ClinGen allele CA196341092.
Genomic context (GRCh38, chr9:92,719,477, plus strand): 5'-GGGCTGTCTGCCGCTCCTTGCTGGCCTGCAGGCGCCGCAGGGCACTCAGATTCTCTGTGA[G>A]GCGGGTCACCTTCTCCTGCTGTTCTGACAGGGAGCCCCGCGTGTGCTCCAGCTGCTTCTG-3'
Protein context (NP_001003800.1, residues 380-400): LSEQQEKVTR[Leu390Phe]TENLSALRRL